The following is an entry in ClinVar:

NM_000053.4(ATP7B):c.1138A>G (p.Met380Val)

Gene: ATP7B (ATPase copper transporting beta; minus strand). Cytogenetic location: 13q14.3.
Variant type: single nucleotide variant.
Coding change: c.1138A>G on transcript NM_000053.4 (MANE Select); coding-DNA position 1138, A replaced by G.
Protein change: p.Met380Val; replaces methionine 380 with valine.
Molecular consequence: missense variant.
Genome position (GRCh38, 1-based): chr13:51,974,082, T>C on the plus strand (A>G on the coding strand, the complement: ATP7B is on the minus strand). VCF-style: chr13-51974082-T-C. GRCh37 (hg19) VCF-style: chr13-52548218-T-C.
Other names: c.1138A>G, p.Met380Val (NM_001005918.3, NM_001330578.2, NM_001330579.2 and 29 more transcripts); c.805A>G, p.Met269Val (NM_001243182.2); c.1042A>G, p.Met348Val (NM_001406517.1, NM_001406518.1, NM_001406536.1 and 3 more transcripts); c.709A>G, p.Met237Val (NM_001406539.1); c.1138A>G (NM_000053.3); short protein forms M237V, M269V, M348V, M380V.
Identifiers: ClinVar variation 3385720 (VCV003385720.3).

ClinVar aggregate classification (germline): Uncertain significance. Review status: criteria provided, multiple submitters, no conflicts (2 of 4 stars). 2 submissions from 2 submitters: Uncertain significance (2). Last evaluated 2025-07-08.

Conditions:
Wilson disease (WND). Also called: Wilson's disease. Identifiers: Orphanet 905, MedGen C0019202, MONDO:0010200, OMIM 277900. Disease mechanism: loss of function.

gnomAD v4.1: 5 of 1,614,124 alleles (0.00031%); highest among the groups gnomAD compares: Middle Eastern, 0.017%; no homozygotes.

Submissions (2):

GeneDx
Classification: Uncertain significance. Last evaluated: 2025-07-08. Review status: criteria provided, single submitter. Criteria: GeneDx Variant Classification Process June 2021. Collection method: clinical testing. Allele origin: germline. Affected: yes.
Comment: Not observed at significant frequency in large population cohorts (gnomAD); In silico analysis suggests that this missense variant does not alter protein structure/function; Has not been previously published as pathogenic or benign to our knowledge

All of Us Research Program, National Institutes of Health
Classification: Uncertain significance for Wilson disease. Last evaluated: 2024-06-09. Review status: criteria provided, single submitter. Criteria: ACMG Guidelines, 2015. Collection method: clinical testing. Allele origin: germline. Inheritance: Autosomal recessive inheritance. Observed: 2 variant alleles, 2 heterozygotes.
Comment: This missense variant replaces methionine with valine at codon 380 of the ATP7B protein. Computational prediction suggests that this variant may not impact protein structure and function (internally defined REVEL score threshold <= 0.5, PMID: 27666373). To our knowledge, functional studies have not been reported for this variant. This variant has not been reported in individuals affected with ATP7B-related disorders in the literature. This variant has been identified in 4/249542 chromosomes in the general population by the Genome Aggregation Database (gnomAD). The available evidence is insufficient to determine the role of this variant in disease conclusively. Therefore, this variant is classified as a Variant of Uncertain Significance.

This study involves interpretation of variants in research participants for the purpose of population health screening. Participant phenotype was not available at the time of variant classification. Additional details can be found in publication PMID: 35346344, PMCID: PMC8962531